The following is an entry in ClinVar:

NM_000492.4(CFTR):c.1652del (p.Gly551fs)

Genes: CFTR (CF transmembrane conductance regulator; plus strand), LOC111674475 (CFTR intron 11 enhancer; plus strand). Cytogenetic location: 7q31.2.
Variant type: Deletion.
Coding change: c.1652del on transcript NM_000492.4 (MANE Select); coding-DNA position 1652, one base deleted (G; older notation c.1652delG).
Protein change: p.Gly551fs; shifts the reading frame from glycine 551.
Molecular consequence: frameshift variant.
Genome position (GRCh38, 1-based): chr7:117,587,806, G deleted; the last of 2 consecutive G bases (chr7:117,587,805-117,587,806); deleting either gives the same sequence. VCF-style (leftmost placement, unchanged base first): chr7-117587804-AG-A. GRCh37 (hg19) VCF-style: chr7-117227858-AG-A.
Other names: c.1652delG (NM_000492.3); short protein forms G551fs.
Identifiers: ClinVar variation 53320 (VCV000053320.2), dbSNP rs397508252, ClinGen allele CA326581.
Genomic context (GRCh38, chr7:117,587,804, plus strand): 5'-CTCCAAGTTTGCAGAGAAAGACAATATAGTTCTTGGAGAAGGTGGAATCACACTGAGTGG[AG>A]GTCAACGAGCAAGAATTTCTTTAGCAAGGTGAATAACTAATTATTGGTCTAGCAAGCATT-3'

ClinVar aggregate classification (germline): Likely pathogenic. Review status: criteria provided, single submitter (1 of 4 stars). 2 submissions from 2 submitters: Likely pathogenic (1). 1 of the submissions does not count toward it. Last evaluated 2021-02-02.

Conditions:
Cystic fibrosis (CF). Also called: MUCOVISCIDOSIS. Identifiers: Orphanet 586, MedGen C0010674, MONDO:0009061, OMIM 219700. Disease mechanism: loss of function.

Submissions (2):

NxGen MDx
Classification: Likely pathogenic for Cystic fibrosis. Last evaluated: 2021-02-02. Review status: criteria provided, single submitter. Criteria: ACMG Guidelines, 2015. Collection method: clinical testing. Allele origin: unknown.
Comment: This variant (c.1652del) is predicted to result in frameshift and premature peptide translation termination or nonsense mediated decay (p.Gly551ValfsTer8, PVS1). This variant is not found in gnomAD exomes (PM2). There are several clinical observations of similar frameshift variants in cystic fibrosis patients (Devoto et al. PMID 1709778; Lucarelli et al. PMID 28736296; Straniero et al. PMID: 27488443). We interpret c.1652del to be likely pathogenic.

ClinVar Staff, National Center for Biotechnology Information (NCBI)
No classification provided. Condition: CFTR-related disorders. Review status: no classification provided. Collection method: literature only. Allele origin: germline. Affected: yes. Not counted in ClinVar's aggregate classification.

Literature cited by the submitters: PubMed 28736296 (cited by NxGen MDx); PubMed 1709778 (cited by NxGen MDx and ClinVar Staff, National Center for Biotechnology Information (NCBI)); PubMed 27488443 (cited by NxGen MDx).